The following is an entry in ClinVar:

NM_000061.3(BTK):c.1864G>C (p.Ala622Pro)

Gene: BTK (Bruton tyrosine kinase; minus strand). Cytogenetic location: Xq22.1.
Variant type: single nucleotide variant.
Coding change: c.1864G>C on transcript NM_000061.3 (MANE Select); coding-DNA position 1864, G replaced by C.
Protein change: p.Ala622Pro; replaces alanine 622 with proline.
Molecular consequence: missense variant.
Genome position (GRCh38, 1-based): chrX:101,353,238, C>G on the plus strand (G>C on the coding strand, the complement: BTK is on the minus strand). VCF-style: chrX-101353238-C-G. GRCh37 (hg19) VCF-style: chrX-100608226-C-G.
Other names: c.1966G>C, p.Ala656Pro (NM_001287344.2); c.1336G>C, p.Ala446Pro (NM_001287345.2); short protein forms A446P, A622P, A656P.
Identifiers: ClinVar variation 1059586 (VCV001059586.9), dbSNP rs2147424035, ClinGen allele CA413918724.

ClinVar aggregate classification (germline): Uncertain significance (1 of 4 stars; one submission).

Conditions:
X-linked agammaglobulinemia with growth hormone deficiency (IGHD3). Also called: AGAMMAGLOBULINEMIA AND ISOLATED GROWTH HORMONE DEFICIENCY, X-LINKED; FLEISHER SYNDROME; HYPOGAMMAGLOBULINEMIA AND ISOLATED GROWTH HORMONE DEFICIENCY, X-LINKED; IGHD III; Isolated growth hormone deficiency type 3; Growth hormone deficiency with hypogammaglobulinemia. Identifiers: Orphanet 231692, Orphanet 631, MedGen C0472813, MONDO:0010615, OMIM 307200.

Submission:

Labcorp Genetics (formerly Invitae), Labcorp
Classification: Uncertain significance for X-linked agammaglobulinemia with growth hormone deficiency. Last evaluated: 2020-11-05. Review status: criteria provided, single submitter. Criteria: Invitae Variant Classification Sherloc (09022015). Collection method: clinical testing. Allele origin: germline.
Comment: In summary, the available evidence is currently insufficient to determine the role of this variant in disease. Therefore, it has been classified as a Variant of Uncertain Significance. Advanced modeling of protein sequence and biophysical properties (such as structural, functional, and spatial information, amino acid conservation, physicochemical variation, residue mobility, and thermodynamic stability) performed at Invitae indicates that this missense variant is expected to disrupt BTK protein function. This variant has been observed in individual(s) with agammaglobulinemia (PMID: 8938104, 9545398). This variant is not present in population databases (ExAC no frequency). This sequence change replaces alanine with proline at codon 622 of the BTK protein (p.Ala622Pro). The alanine residue is highly conserved and there is a small physicochemical difference between alanine and proline.

Literature cited by the submitters: PubMed 8938104; PubMed 9545398.